The following is an entry in ClinVar:

ClinVar aggregate classification (germline): Pathogenic. Review status: criteria provided, multiple submitters, no conflicts (2 of 4 stars). 2 submissions from 2 submitters: Pathogenic (2). Last evaluated 2023-10-23.

Conditions:
X-linked Alport syndrome (ATS1). Also called: NEPHROPATHY AND DEAFNESS, X-LINKED; COL4A5-Related Nephropathy. Identifiers: Orphanet 63, Orphanet 88917, MedGen C4746986, MONDO:0010520, OMIM 301050.

Submissions (2):

MVZ Martinsried, Medicover Genetics
Classification: Pathogenic for X-linked Alport syndrome. Last evaluated: 2023-10-23. Review status: criteria provided, single submitter. Criteria: ACGS Guidelines, 2020. Collection method: clinical testing. Allele origin: unknown. Affected: yes.

Labcorp Genetics (formerly Invitae), Labcorp
Classification: Pathogenic. Last evaluated: 2022-08-09. Review status: criteria provided, single submitter. Criteria: Invitae Variant Classification Sherloc (09022015). Collection method: clinical testing. Allele origin: germline.
Comment: For these reasons, this variant has been classified as Pathogenic. This variant is not present in population databases (gnomAD no frequency). This sequence change replaces glycine, which is neutral and non-polar, with cysteine, which is neutral and slightly polar, at codon 872 of the COL4A5 protein (p.Gly872Cys). This variant disrupts the p.Gly872 amino acid residue in COL4A5. Other variant(s) that disrupt this residue have been observed in individuals with COL4A5-related conditions (PMID: 7599631, 33040356; Invitae), which suggests that this may be a clinically significant amino acid residue. This variant disrupts the triple helix domain of COL4A5. Glycine residues within the Gly-Xaa-Yaa repeats of the triple helix domain are required for the structure and stability of fibrillar collagens (PMID: 7695699, 8218237, 19344236). In COL4A5, missense variants at these glycine residues are significantly enriched in individuals with disease (PMID: 23720012, 27627812) compared to the general population (ExAC). Advanced modeling of protein sequence and biophysical properties (such as structural, functional, and spatial information, amino acid conservation, physicochemical variation, residue mobility, and thermodynamic stability) performed at Invitae indicates that this missense variant is expected to disrupt COL4A5 protein function. ClinVar contains an entry for this variant (Variation ID: 845467). This variant has not been reported in the literature in individuals affected with COL4A5-related conditions.

Literature cited by the submitters: PubMed 7599631 (cited by Labcorp Genetics (formerly Invitae), Labcorp); PubMed 33040356 (cited by Labcorp Genetics (formerly Invitae), Labcorp); PubMed 7695699 (cited by Labcorp Genetics (formerly Invitae), Labcorp); PubMed 8218237 (cited by Labcorp Genetics (formerly Invitae), Labcorp); PubMed 19344236 (cited by Labcorp Genetics (formerly Invitae), Labcorp); PubMed 23720012 (cited by Labcorp Genetics (formerly Invitae), Labcorp); PubMed 27627812 (cited by Labcorp Genetics (formerly Invitae), Labcorp).

NM_033380.3(COL4A5):c.2614G>T (p.Gly872Cys)

Gene: COL4A5 (collagen type IV alpha 5 chain; plus strand). Cytogenetic location: Xq22.3.
Variant type: single nucleotide variant.
Coding change: c.2614G>T on transcript NM_033380.3 (MANE Select); coding-DNA position 2614, G replaced by T.
Protein change: p.Gly872Cys; replaces glycine 872 with cysteine.
Molecular consequence: missense variant.
Genome position (GRCh38, 1-based): chrX:108,620,363, G>T. VCF-style: chrX-108620363-G-T. GRCh37 (hg19) VCF-style: chrX-107863593-G-T.
Other names: c.2614G>T, p.Gly872Cys (NM_000495.5); short protein forms G872C.
Identifiers: ClinVar variation 845467 (VCV000845467.10), dbSNP rs104886190, ClinGen allele CA413851496.